The following is an entry in ClinVar:

NM_004519.4(KCNQ3):c.697C>A (p.Gln233Lys)

Gene: KCNQ3 (potassium voltage-gated channel subfamily Q member 3; minus strand). Cytogenetic location: 8q24.22.
Variant type: single nucleotide variant.
Coding change: c.697C>A on transcript NM_004519.4 (MANE Select); coding-DNA position 697, C replaced by A.
Protein change: p.Gln233Lys; replaces glutamine 233 with lysine.
Molecular consequence: missense variant.
Genome position (GRCh38, 1-based): chr8:132,180,237, G>T on the plus strand (C>A on the coding strand, the complement: KCNQ3 is on the minus strand). VCF-style: chr8-132180237-G-T. GRCh37 (hg19) VCF-style: chr8-133192484-G-T.
Other names: c.337C>A, p.Gln113Lys (NM_001204824.2); short protein forms Q113K, Q233K.
Identifiers: ClinVar variation 2499970 (VCV002499970.1), dbSNP rs2536952634, ClinGen allele CA372290825.

ClinVar aggregate classification (germline): Uncertain significance (1 of 4 stars; one submission).

Allele frequency attached by ClinVar (database versions not stated): gnomAD exomes below 0.00001.
gnomAD v4.1: 1 of 1,614,210 alleles (0.000062%); highest among the groups gnomAD compares: Non-Finnish European, 0.000085%; no homozygotes.

Submission:

GeneDx
Classification: Uncertain significance. Last evaluated: 2022-10-19. Review status: criteria provided, single submitter. Criteria: GeneDx Variant Classification Process June 2021. Collection method: clinical testing. Allele origin: germline. Affected: yes.
Comment: Not observed at significant frequency in large population cohorts (gnomAD); In silico analysis supports that this missense variant has a deleterious effect on protein structure/function; Has not been previously published as pathogenic or benign to our knowledge